The following is an entry in ClinVar:

NM_001830.4(CLCN4):c.926A>G (p.Asn309Ser)

Gene: CLCN4 (Cl-/H+ antiporter 4; plus strand). Cytogenetic location: Xp22.2.
Variant type: single nucleotide variant.
Coding change: c.926A>G on transcript NM_001830.4 (MANE Select); coding-DNA position 926, A replaced by G.
Protein change: p.Asn309Ser; replaces asparagine 309 with serine.
Molecular consequence: missense variant.
Genome position (GRCh38, 1-based): chrX:10,208,127, A>G. VCF-style: chrX-10208127-A-G. GRCh37 (hg19) VCF-style: chrX-10176167-A-G.
Other names: c.644A>G, p.Asn215Ser (NM_001256944.2); short protein forms N215S, N309S.
Identifiers: ClinVar variation 1327675 (VCV001327675.32), dbSNP rs2147179530, ClinGen allele CA412037461.

ClinVar aggregate classification (germline): Conflicting classifications of pathogenicity. Review status: criteria provided, conflicting classifications (1 of 4 stars). 2 submissions from 2 submitters: Pathogenic (1); Uncertain significance (1). Last evaluated 2025-10-17.

Conditions:
Intellectual disability, X-linked 49 (MRXSRC). Also called: MENTAL RETARDATION, X-LINKED 15; CLCN4-Related Neurodevelopmental Disorder; MRX49; CLCN4-related X-linked intellectual disability syndrome; RAYNAUD-CLAES SYNDROME. Identifiers: Orphanet 485350, Orphanet 777, MedGen C0796221, MONDO:0010250, OMIM 300114.

Submissions (2):

GeneDx
Classification: Pathogenic. Last evaluated: 2025-10-17. Review status: criteria provided, single submitter. Criteria: GeneDx Variant Classification Process June 2021. Collection method: clinical testing. Allele origin: germline. Affected: yes.
Comment: Not observed at significant frequency in large population cohorts (gnomAD); In silico analysis supports that this missense variant has a deleterious effect on protein structure/function; This variant is associated with the following publications: (PMID: 36385166)

Gene2Care/ Palmer Lab, University of New South Wales
Classification: Uncertain significance for Intellectual disability, X-linked 49. Last evaluated: 2022-05-27. Review status: criteria provided, single submitter. Criteria: ACMG Guidelines, 2015. Collection method: clinical testing. Allele origin: germline. Affected: yes.